The following is an entry in ClinVar:

ClinVar aggregate classification (germline): Pathogenic (1 of 4 stars; one submission).

Conditions:
X-linked agammaglobulinemia with growth hormone deficiency (IGHD3). Also called: FLEISHER SYNDROME; HYPOGAMMAGLOBULINEMIA AND ISOLATED GROWTH HORMONE DEFICIENCY, X-LINKED; IGHD III; Isolated growth hormone deficiency type 3; Growth hormone deficiency with hypogammaglobulinemia; AGAMMAGLOBULINEMIA AND ISOLATED GROWTH HORMONE DEFICIENCY, X-LINKED. Identifiers: Orphanet 231692, Orphanet 631, MedGen C0472813, MONDO:0010615, OMIM 307200.

Submission:

Labcorp Genetics (formerly Invitae), Labcorp
Classification: Pathogenic for X-linked agammaglobulinemia with growth hormone deficiency. Last evaluated: 2022-09-12. Review status: criteria provided, single submitter. Criteria: Invitae Variant Classification Sherloc (09022015). Collection method: clinical testing. Allele origin: germline.
Comment: For these reasons, this variant has been classified as Pathogenic. This variant has not been reported in the literature in individuals affected with BTK-related conditions. This variant is not present in population databases (gnomAD no frequency). This sequence change creates a premature translational stop signal (p.Lys183Asnfs*10) in the BTK gene. It is expected to result in an absent or disrupted protein product. Loss-of-function variants in BTK are known to be pathogenic (PMID: 15661032, 16862044, 19419768).

Literature cited by the submitters: PubMed 15661032; PubMed 16862044; PubMed 19419768.

NM_000061.3(BTK):c.549_550del (p.Lys183fs)

Gene: BTK (Bruton tyrosine kinase; minus strand). Cytogenetic location: Xq22.1.
Variant type: Deletion.
Coding change: c.549_550del on transcript NM_000061.3 (MANE Select); coding-DNA positions 549 to 550, 2 bases deleted (GA; older notation c.549_550delGA).
Protein change: p.Lys183fs; shifts the reading frame from lysine 183.
Molecular consequence: frameshift variant.
Genome position (GRCh38, 1-based): chrX:101,362,211-101,362,212, TC deleted on the plus strand (GA on the coding strand, the reverse complement: BTK is on the minus strand); deleting any 2 consecutive bases within chrX:101,362,211-101,362,213 gives the same sequence; the c. name uses the placement nearest the transcript's 3' end. VCF-style (leftmost placement, unchanged base first): chrX-101362210-GTC-G. GRCh37 (hg19) VCF-style: chrX-100617198-GTC-G.
Other names: c.651_652del, p.Lys217fs (NM_001287344.2); c.549_550del, p.Lys183fs (NM_001287345.2); short protein forms K217fs, K183fs.
Identifiers: ClinVar variation 2055548 (VCV002055548.4), dbSNP rs2520605467, ClinGen allele CA2580100096.